The following is an entry in ClinVar:

NM_000506.5(F2):c.1374C>T (p.Asn458=)

Gene: F2 (coagulation factor II, thrombin; plus strand). Cytogenetic location: 11p11.2.
Variant type: single nucleotide variant.
Coding change: c.1374C>T on transcript NM_000506.5 (MANE Select); coding-DNA position 1374, C replaced by T.
Protein change: p.Asn458=; no amino-acid change (asparagine 458 retained).
Molecular consequence: synonymous variant.
Genome position (GRCh38, 1-based): chr11:46,728,739, C>T. VCF-style: chr11-46728739-C-T. GRCh37 (hg19) VCF-style: chr11-46750289-C-T.
Other names: p.Asn458=.
Identifiers: ClinVar variation 3710191 (VCV003710191.4).

ClinVar aggregate classification (germline): Likely benign. Review status: criteria provided, multiple submitters, no conflicts (2 of 4 stars). 3 submissions from 3 submitters: Likely benign (3). Last evaluated 2025-07-09.

Conditions:
Congenital prothrombin deficiency. Also called: Inherited hypoprothrombinemia; Congenital factor II deficiency; Inherited prothrombin deficiency; Factor II deficiency; HYPOPROTHROMBINEMIA; Hereditary factor II deficiency disease. Identifiers: Orphanet 325, MedGen C0272317, MONDO:0013361, OMIM 613679.

gnomAD v4.1: 2 of 1,614,244 alleles (0.00012%); highest among the groups gnomAD compares: Non-Finnish European, 0.000085%; no homozygotes.

Submissions (3):

Mayo Clinic Laboratories, Mayo Clinic
Classification: Likely benign. Last evaluated: 2025-07-09. Review status: criteria provided, single submitter. Criteria: ACMG Guidelines, 2015. Collection method: clinical testing. Allele origin: germline. Observed: 1 variant allele.
Comment: BP4, BP7, PM2_supporting

Labcorp Genetics (formerly Invitae), Labcorp
Classification: Likely benign for Congenital prothrombin deficiency. Last evaluated: 2024-05-28. Review status: criteria provided, single submitter. Criteria: Invitae Variant Classification Sherloc (09022015). Collection method: clinical testing. Allele origin: germline.

Blueprint Genetics
Classification: Likely benign. Last evaluated: 2019-10-22. Review status: criteria provided, single submitter. Criteria: ACMG Guidelines, 2015. Collection method: clinical testing. Allele origin: germline.